The following is an entry in ClinVar:

NM_001942.4(DSG1):c.1895T>G (p.Val632Gly)

Genes: DSG1 (desmoglein 1; plus strand), DSG1-AS1 (DSG1 antisense RNA 1; minus strand). Cytogenetic location: 18q12.1.
Variant type: single nucleotide variant.
Coding change: c.1895T>G on transcript NM_001942.4 (MANE Select); coding-DNA position 1895, T replaced by G.
Protein change: p.Val632Gly; replaces valine 632 with glycine.
Molecular consequence: missense variant.
Genome position (GRCh38, 1-based): chr18:31,345,993, T>G. VCF-style: chr18-31345993-T-G. GRCh37 (hg19) VCF-style: chr18-28925956-T-G.
Other names: short protein forms V632G.
Identifiers: ClinVar variation 2782055 (VCV002782055.3), dbSNP rs765332094, ClinGen allele CA8926225.

ClinVar aggregate classification (germline): Uncertain significance (1 of 4 stars; one submission).

Allele frequency attached by ClinVar (database versions not stated): ExAC 0.00001.
gnomAD v4.1: 2 of 1,612,770 alleles (0.00012%); highest among the groups gnomAD compares: East Asian, 0.0045%; no homozygotes.

Submission:

Labcorp Genetics (formerly Invitae), Labcorp
Classification: Uncertain significance. Last evaluated: 2023-03-26. Review status: criteria provided, single submitter. Criteria: Invitae Variant Classification Sherloc (09022015). Collection method: clinical testing. Allele origin: germline.
Comment: Advanced modeling of protein sequence and biophysical properties (such as structural, functional, and spatial information, amino acid conservation, physicochemical variation, residue mobility, and thermodynamic stability) performed at Invitae indicates that this missense variant is not expected to disrupt DSG1 protein function. In summary, the available evidence is currently insufficient to determine the role of this variant in disease. Therefore, it has been classified as a Variant of Uncertain Significance. This variant has not been reported in the literature in individuals affected with DSG1-related conditions. This variant is present in population databases (rs765332094, gnomAD 0.01%). This sequence change replaces valine, which is neutral and non-polar, with glycine, which is neutral and non-polar, at codon 632 of the DSG1 protein (p.Val632Gly).